The following is an entry in ClinVar:

ClinVar aggregate classification (germline): Uncertain significance (1 of 4 stars; one submission).

Submission:

GeneDx
Classification: Uncertain significance. Last evaluated: 2025-05-25. Review status: criteria provided, single submitter. Criteria: GeneDx Variant Classification Process June 2021. Collection method: clinical testing. Allele origin: germline. Affected: yes.
Comment: Not observed at significant frequency in large population cohorts (gnomAD); In silico analysis suggests that this missense variant does not alter protein structure/function; Has not been previously published as pathogenic or benign to our knowledge

NM_002805.6(PSMC5):c.1075G>C (p.Val359Leu)

Gene: PSMC5 (proteasome 26S subunit, ATPase 5; plus strand). Cytogenetic location: 17q23.3.
Variant type: single nucleotide variant.
Coding change: c.1075G>C on transcript NM_002805.6 (MANE Select); coding-DNA position 1075, G replaced by C.
Protein change: p.Val359Leu; replaces valine 359 with leucine.
Molecular consequence: missense variant.
Genome position (GRCh38, 1-based): chr17:63,831,611, G>C. VCF-style: chr17-63831611-G-C. GRCh37 (hg19) VCF-style: chr17-61908971-G-C.
Other names: c.1051G>C, p.Val351Leu (NM_001199163.2); short protein forms V351L, V359L.
Identifiers: ClinVar variation 4532525 (VCV004532525.1).